The following is an entry in ClinVar:

ClinVar aggregate classification (germline): Uncertain significance (1 of 4 stars; one submission).

Conditions:
Congenital myasthenic syndrome 18. Also called: MYASTHENIC SYNDROME, CONGENITAL, 18, WITH INTELLECTUAL DISABILITY AND ATAXIA. Identifiers: Orphanet 590, MedGen C4225364, MONDO:0014590, OMIM 616330.

Submission:

Labcorp Genetics (formerly Invitae), Labcorp
Classification: Uncertain significance for Congenital myasthenic syndrome 18. Last evaluated: 2022-11-23. Review status: criteria provided, single submitter. Criteria: Invitae Variant Classification Sherloc (09022015). Collection method: clinical testing. Allele origin: germline.
Comment: In summary, the available evidence is currently insufficient to determine the role of this variant in disease. Therefore, it has been classified as a Variant of Uncertain Significance. Algorithms developed to predict the effect of missense changes on protein structure and function (SIFT, PolyPhen-2, Align-GVGD) all suggest that this variant is likely to be disruptive. This variant has not been reported in the literature in individuals affected with SNAP25-related conditions. This variant is not present in population databases (gnomAD no frequency). This sequence change replaces alanine, which is neutral and non-polar, with aspartic acid, which is acidic and polar, at codon 164 of the SNAP25 protein (p.Ala164Asp).

NM_130811.4(SNAP25):c.491C>A (p.Ala164Asp)

Gene: SNAP25 (synaptosome associated protein 25; plus strand). Cytogenetic location: 20p12.2.
Variant type: single nucleotide variant.
Coding change: c.491C>A on transcript NM_130811.4 (MANE Select); coding-DNA position 491, C replaced by A.
Protein change: p.Ala164Asp; replaces alanine 164 with aspartic acid.
Molecular consequence: missense variant.
Genome position (GRCh38, 1-based): chr20:10,299,351, C>A. VCF-style: chr20-10299351-C-A. GRCh37 (hg19) VCF-style: chr20-10279999-C-A.
Other names: c.491C>A, p.Ala164Asp (NM_001322902.2, NM_001322903.2, NM_001322904.2 and 9 more transcripts); short protein forms A164D.
Identifiers: ClinVar variation 2816040 (VCV002816040.3), dbSNP rs2514853148, ClinGen allele CA408266637.
Genomic context (GRCh38, chr20:10,299,351, plus strand): 5'-ATGAAATGGATGAAAACCTAGAGCAGGTGAGCGGCATCATCGGGAACCTCCGTCACATGG[C>A]CCTGGATATGGGCAATGAGATCGATACACAGAATCGCCAGATCGACAGGATCATGGAGAA-3'
Protein context (NP_570824.1, residues 154-174): SGIIGNLRHM[Ala164Asp]LDMGNEIDTQ